The following is an entry in ClinVar:

ClinVar aggregate classification (germline): Likely benign (1 of 4 stars; one submission).

Submission:

CeGaT Center for Human Genetics Tuebingen
Classification: Likely benign. Last evaluated: 2026-03-01. Review status: criteria provided, single submitter. Criteria: CeGaT Center For Human Genetics Tuebingen Variant Classification Criteria Version 2. Collection method: clinical testing. Allele origin: germline. Affected: yes. Observed: 2 variant alleles.
Comment: RALGAPA1: PM2:Supporting, BP4, BP7

NM_001346249.2(RALGAPA1):c.7143A>T (p.Thr2381=)

Gene: RALGAPA1 (Ral GTPase activating protein catalytic subunit alpha 1; minus strand). Cytogenetic location: 14q13.2.
Variant type: single nucleotide variant.
Coding change: c.7143A>T on transcript NM_001346249.2 (MANE Select); coding-DNA position 7143, A replaced by T.
Protein change: p.Thr2381=; no amino-acid change (threonine 2381 retained).
Molecular consequence: synonymous variant.
Genome position (GRCh38, 1-based): chr14:35,595,700, T>A on the plus strand (A>T on the coding strand, the complement: RALGAPA1 is on the minus strand). VCF-style: chr14-35595700-T-A. GRCh37 (hg19) VCF-style: chr14-36064906-T-A.
Other names: c.5664A>T, p.Thr1888= (NM_001283043.3); c.5766A>T, p.Thr1922= (NM_001283044.3, NM_001346245.2, NM_001346247.2); c.7002A>T, p.Thr2334= (NM_001330075.3, NM_001346248.2); c.5625A>T, p.Thr1875= (NM_001346243.2, NM_001346246.2, NM_014990.3 and 1 more transcripts).
Identifiers: ClinVar variation 4821784 (VCV004821784.4).
Genomic context (GRCh38, chr14:35,595,700, plus strand): 5'-GGTCAAAGAATCATCAGAATCAGAAGGCATTCTTGTTGACACGTGAAATATTACCTCTAC[T>A]GTAGAGGTAGCAAAATATGGAGTGGTCAATCCAGTGCTTTTGTTTTTTTGTAGTCCTCCC-3'
Protein context (NP_001333178.1, residues 2371-2391): GLTTPYFATS[Thr2381=]VEVIFHVSTR